The following is an entry in ClinVar:

ClinVar aggregate classification (germline): Uncertain significance (1 of 4 stars; one submission).

Conditions:
Cardiovascular phenotype. Identifiers: MedGen CN230736.

Allele frequency attached by ClinVar (database versions not stated): ExAC 0.00006.
gnomAD v4.1: 9 of 1,550,138 alleles (0.00058%); highest among the groups gnomAD compares: Middle Eastern, 0.15%; no homozygotes.

Submission:

Ambry Genetics
Classification: Uncertain significance for Cardiovascular phenotype. Last evaluated: 2025-01-21. Review status: criteria provided, single submitter. Criteria: Ambry Variant Classification Scheme 2023. Collection method: clinical testing. Allele origin: germline.
Comment: The p.L1897R variant (also known as c.5690T>G), located in coding exon 2 of the ZNF469 gene, results from a T to G substitution at nucleotide position 5690. The leucine at codon 1897 is replaced by arginine, an amino acid with dissimilar properties. This amino acid position is conserved. In addition, this alteration is predicted to be tolerated by in silico analysis. Since supporting evidence is limited at this time, the clinical significance of this alteration remains unclear.

NM_001367624.2(ZNF469):c.5774T>G (p.Leu1925Arg)

Gene: ZNF469 (zinc finger protein 469; plus strand). Cytogenetic location: 16q24.2.
Variant type: single nucleotide variant.
Coding change: c.5774T>G on transcript NM_001367624.2 (MANE Select); coding-DNA position 5774, T replaced by G.
Protein change: p.Leu1925Arg; replaces leucine 1925 with arginine.
Molecular consequence: missense variant.
Genome position (GRCh38, 1-based): chr16:88,433,244, T>G. VCF-style: chr16-88433244-T-G. GRCh37 (hg19) VCF-style: chr16-88499652-T-G.
Other names: NM_001127464.1:c.5690T>G; short protein forms L1925R.
Identifiers: ClinVar variation 1749082 (VCV001749082.3), dbSNP rs770417916, ClinGen allele CA8225106.
Genomic context (GRCh38, chr16:88,433,244, plus strand): 5'-TCCAGCTCCCAGGGCCTGGAGTGGCTAAGAGTAAAGATGGCATCCTGGGCTTGCAGGAGC[T>G]GACACCTGCTGCCCAGAGCCCTCCACGAGTGAACCCCTCAGGTCTGGAAGGGGGCACTGT-3'
Protein context (NP_001354553.1, residues 1915-1935): SKDGILGLQE[Leu1925Arg]TPAAQSPPRV